The following is an entry in ClinVar:

ClinVar aggregate classification (germline): Pathogenic (1 of 4 stars; one submission).

Conditions:
Malignant hyperthermia, susceptibility to, 5 (MHS5). Also called: CACNA1S-Related Malignant Hyperthermia Susceptibility. Identifiers: Orphanet 423, MedGen C1866077, MONDO:0011163, OMIM 601887.
Hypokalemic periodic paralysis, type 1. Also called: HypoPP; Hypokalemic Periodic Paralysis Type 1 (AD). Identifiers: Orphanet 681, MedGen C3714580, MONDO:0042979, OMIM 170400.

Submission:

Labcorp Genetics (formerly Invitae), Labcorp
Classification: Pathogenic for Hypokalemic periodic paralysis, type 1; Malignant hyperthermia, susceptibility to, 5. Last evaluated: 2022-03-17. Review status: criteria provided, single submitter. Criteria: Invitae Variant Classification Sherloc (09022015). Collection method: clinical testing. Allele origin: unknown.
Comment: For these reasons, this variant has been classified as Pathogenic. This variant has not been reported in the literature in individuals affected with CACNA1S-related conditions. This variant is a gross deletion of the genomic region encompassing exon(s) 3 of the CACNA1S gene. This deletion is out-of-frame, and is expected to create a premature termination codon and result in an absent or disrupted protein product. Loss-of-function variants in CACNA1S are known to be pathogenic (PMID: 26247046, 28012042).

Literature cited by the submitters: PubMed 26247046; PubMed 28012042.

NC_000001.10:g.(?_201063001)_(201066352_?)del

Gene: CACNA1S (calcium voltage-gated channel subunit alpha1 S; minus strand). Cytogenetic location: 1q32.1.
Variant type: Deletion.
Identifiers: ClinVar variation 3247817 (VCV003247817.1).